The following is an entry in ClinVar:

NM_001270508.2(TNFAIP3):c.2116C>T (p.Arg706Ter)

Gene: TNFAIP3 (TNF alpha induced protein 3; plus strand). Cytogenetic location: 6q23.3.
Variant type: single nucleotide variant.
Coding change: c.2116C>T on transcript NM_001270508.2 (MANE Select); coding-DNA position 2116, C replaced by T.
Protein change: p.Arg706Ter; replaces arginine 706 with a stop codon.
Molecular consequence: nonsense.
Genome position (GRCh38, 1-based): chr6:137,881,062, C>T. VCF-style: chr6-137881062-C-T. GRCh37 (hg19) VCF-style: chr6-138202199-C-T.
Other names: c.2116C>T, p.Arg706Ter (NM_001270507.2, NM_006290.4); short protein forms R706*.
Identifiers: ClinVar variation 1913551 (VCV001913551.5), dbSNP rs1255599518, ClinGen allele CA365797384.

ClinVar aggregate classification (germline): Uncertain significance (1 of 4 stars; one submission).

Allele frequency attached by ClinVar (database versions not stated): TOPMed below 0.00001.
gnomAD v4.1: 1 of 1,612,094 alleles (0.000062%); highest among the groups gnomAD compares: African/African-American, 0.0013%; no homozygotes.

Submission:

Labcorp Genetics (formerly Invitae), Labcorp
Classification: Uncertain significance. Last evaluated: 2022-10-23. Review status: criteria provided, single submitter. Criteria: Invitae Variant Classification Sherloc (09022015). Collection method: clinical testing. Allele origin: germline.
Comment: In summary, the available evidence is currently insufficient to determine the role of this variant in disease. Therefore, it has been classified as a Variant of Uncertain Significance. Experimental studies and prediction algorithms are not available or were not evaluated, and the functional significance of this variant is currently unknown. This variant has not been reported in the literature in individuals affected with TNFAIP3-related conditions. This variant is not present in population databases (gnomAD no frequency). This sequence change creates a premature translational stop signal (p.Arg706*) in the TNFAIP3 gene. While this is not anticipated to result in nonsense mediated decay, it is expected to disrupt the last 85 amino acid(s) of the TNFAIP3 protein.